The following is an entry in ClinVar:

ClinVar aggregate classification (germline): Uncertain significance (1 of 4 stars; one submission).

Conditions:
Propionic acidemia (PROP). Also called: GLYCINEMIA, KETOTIC; HYPERGLYCINEMIA WITH KETOACIDOSIS AND LEUKOPENIA; KETOTIC HYPERGLYCINEMIA. Identifiers: Orphanet 35, MedGen C0268579, MONDO:0011628, OMIM 606054, HP:0003571.

Submission:

Labcorp Genetics (formerly Invitae), Labcorp
Classification: Uncertain significance for Propionic acidemia. Last evaluated: 2022-01-26. Review status: criteria provided, single submitter. Criteria: Invitae Variant Classification Sherloc (09022015). Collection method: clinical testing. Allele origin: germline.
Comment: This sequence change falls in intron 10 of the PCCB gene. It does not directly change the encoded amino acid sequence of the PCCB protein. This variant is present in population databases (rs767794302, gnomAD 0.0009%). This variant has not been reported in the literature in individuals affected with PCCB-related conditions. Algorithms developed to predict the effect of sequence changes on RNA splicing suggest that this variant may disrupt the consensus splice site. In summary, the available evidence is currently insufficient to determine the role of this variant in disease. Therefore, it has been classified as a Variant of Uncertain Significance.

NM_000532.5(PCCB):c.1091-6_1091-3del

Gene: PCCB (propionyl-CoA carboxylase subunit beta; plus strand). Cytogenetic location: 3q22.3.
Variant type: Deletion.
Coding change: c.1091-6_1091-3del on transcript NM_000532.5 (MANE Select); 6 bases into the intron before coding-DNA position 1091 through 3 bases into the intron before coding-DNA position 1091, 4 bases deleted (TTCT; older notation c.1091-6_1091-3delTTCT).
Molecular consequence: intron variant.
Genome position (GRCh38, 1-based): chr3:136,326,797-136,326,800, TTCT deleted; deleting any 4 consecutive bases within chr3:136,326,794-136,326,800 gives the same sequence; the c. name uses the placement nearest the transcript's 3' end. VCF-style (leftmost placement, unchanged base first): chr3-136326793-CTCTT-C. GRCh37 (hg19) VCF-style: chr3-136045635-CTCTT-C.
Other names: c.1151-6_1151-3del (NM_001178014.2).
Identifiers: ClinVar variation 1447103 (VCV001447103.3), dbSNP rs767794302, ClinGen allele CA2632018.
Genomic context (GRCh38, chr3:136,326,793, plus strand): 5'-ACAAATCCCCATTGTGGATAGAACTGGGAATTGCCTGGATACTCAGTATGGATAATCTCT[CTCTT>C]TCTAGGATGCTTGGATATTAATTCATCTGTGAAAGGGGCTCGTTTTGTCAGATTCTGTGA-3'